The following is an entry in ClinVar:

ClinVar aggregate classification (germline): Benign/Likely benign. Review status: criteria provided, multiple submitters, no conflicts (2 of 4 stars). 7 submissions from 7 submitters: Benign (4); Likely benign (3). Last evaluated 2026-01-26.

Conditions:
ZEB2-related disorder. Also called: ZEB2-related condition.
Inborn genetic diseases. Identifiers: MedGen C0950123, MeSH D030342.
Mowat-Wilson syndrome (MOWS). Also called: Classic Mowat-Wilson Syndrome. Identifiers: Orphanet 2152, MedGen C1856113, MONDO:0009341, OMIM 235730.

Allele frequency attached by ClinVar (database versions not stated): gnomAD 0.00006 and 0.00007; TOPMed 0.00014; gnomAD exomes 0.00019 and 0.00039; 1000 Genomes Project 0.00020; 1000 Genomes Project 30x 0.00031; ExAC 0.00038.
gnomAD v4.1: 122 of 1,614,098 alleles (0.0076%); highest among the groups gnomAD compares: Admixed American, 0.2%; 2 homozygotes.

Submissions (7):

Labcorp Genetics (formerly Invitae), Labcorp
Classification: Benign for Mowat-Wilson syndrome. Last evaluated: 2026-01-26. Review status: criteria provided, single submitter. Criteria: Invitae Variant Classification Sherloc (09022015). Collection method: clinical testing. Allele origin: germline.

Athena Diagnostics
Classification: Benign. Last evaluated: 2025-04-16. Review status: criteria provided, single submitter. Criteria: Athena Diagnostics Criteria. Collection method: clinical testing. Allele origin: unknown.
Comment: The frequency of this variant in the general population is higher than would generally be expected for pathogenic variants in this gene.

PreventionGenetics, part of Exact Sciences
Classification: Likely benign for ZEB2-related condition. Last evaluated: 2025-02-02. Review status: criteria provided, single submitter. Criteria: ACMG Guidelines, 2015. Collection method: clinical testing. Allele origin: germline.
Comment: This variant is classified as likely benign based on ACMG/AMP sequence variant interpretation guidelines (Richards et al. 2015 PMID: 25741868, with internal and published modifications).

Genome-Nilou Lab
Classification: Benign for Mowat-Wilson syndrome. Last evaluated: 2021-11-07. Review status: criteria provided, single submitter. Criteria: ACMG Guidelines, 2015. Collection method: clinical testing. Allele origin: germline. Affected: no.

Ambry Genetics
Classification: Likely benign for Inborn genetic diseases. Last evaluated: 2016-10-12. Review status: criteria provided, single submitter. Criteria: Ambry Variant Classification Scheme 2023. Collection method: clinical testing. Allele origin: germline.

Genetic Services Laboratory, University of Chicago
Classification: Likely benign. Last evaluated: 2015-12-03. Review status: criteria provided, single submitter. Criteria: ACMG Guidelines, 2015. Collection method: clinical testing. Allele origin: germline. Affected: no.

GeneDx
Classification: Benign. Last evaluated: 2013-04-01. Review status: criteria provided, single submitter. Criteria: GeneDx Variant Classification (06012015). Collection method: clinical testing. Allele origin: germline. Affected: yes.
Comment: This variant is considered likely benign or benign based on one or more of the following criteria: it is a conservative change, it occurs at a poorly conserved position in the protein, it is predicted to be benign by multiple in silico algorithms, and/or has population frequency not consistent with disease.

NM_014795.4(ZEB2):c.2361T>C (p.Asn787=)

Gene: ZEB2 (zinc finger E-box binding homeobox 2; minus strand). Cytogenetic location: 2q22.3.
Variant type: single nucleotide variant.
Coding change: c.2361T>C on transcript NM_014795.4 (MANE Select); coding-DNA position 2361, T replaced by C.
Protein change: p.Asn787=; no amino-acid change (asparagine 787 retained).
Molecular consequence: synonymous variant.
Genome position (GRCh38, 1-based): chr2:144,398,826, A>G on the plus strand (T>C on the coding strand, the complement: ZEB2 is on the minus strand). VCF-style: chr2-144398826-A-G. GRCh37 (hg19) VCF-style: chr2-145156393-A-G.
Other names: p.N787N:AAT>AAC; c.2289T>C, p.Asn763= (NM_001171653.2).
Identifiers: ClinVar variation 137950 (VCV000137950.25), dbSNP rs201567433, ClinGen allele CA291673.